The following is an entry in ClinVar:

NM_000282.4(PCCA):c.1123C>T (p.Arg375Cys)

Gene: PCCA (propionyl-CoA carboxylase subunit alpha; plus strand). Cytogenetic location: 13q32.3.
Variant type: single nucleotide variant.
Coding change: c.1123C>T on transcript NM_000282.4 (MANE Select); coding-DNA position 1123, C replaced by T.
Protein change: p.Arg375Cys; replaces arginine 375 with cysteine.
Molecular consequence: missense variant. On other transcripts: non-coding transcript variant (5), intron variant (3).
Genome position (GRCh38, 1-based): chr13:100,301,517, C>T. VCF-style: chr13-100301517-C-T. GRCh37 (hg19) VCF-style: chr13-100953771-C-T.
Other names: c.1045C>T, p.Arg349Cys (NM_001127692.3, NM_001352607.2); c.1123C>T, p.Arg375Cys (NM_001178004.2, NM_001352605.2, NM_001352609.2); c.178C>T, p.Arg60Cys (NM_001352610.2, NM_001352611.2); c.1066-1407C>T (NM_001352606.2); c.121-1407C>T (NM_001352612.2); c.988-1407C>T (NM_001352608.2); short protein forms R60C, R349C, R375C.
Identifiers: ClinVar variation 1424594 (VCV001424594.3), dbSNP rs758588772, ClinGen allele CA7033512.

ClinVar aggregate classification (germline): Uncertain significance (1 of 4 stars; one submission).

Conditions:
Propionic acidemia (PROP). Also called: GLYCINEMIA, KETOTIC; HYPERGLYCINEMIA WITH KETOACIDOSIS AND LEUKOPENIA; KETOTIC HYPERGLYCINEMIA. Identifiers: Orphanet 35, MedGen C0268579, MONDO:0011628, OMIM 606054, HP:0003571.

Allele frequency attached by ClinVar (database versions not stated): gnomAD exomes below 0.00001 and 0.00001; TOPMed below 0.00001; ExAC 0.00001; gnomAD 0.00001.
gnomAD v4.1: 5 of 1,613,884 alleles (0.00031%); highest among the groups gnomAD compares: Admixed American, 0.0017%; no homozygotes.

Submission:

Labcorp Genetics (formerly Invitae), Labcorp
Classification: Uncertain significance for Propionic acidemia. Last evaluated: 2022-10-05. Review status: criteria provided, single submitter. Criteria: Invitae Variant Classification Sherloc (09022015). Collection method: clinical testing. Allele origin: germline.
Comment: This sequence change replaces arginine, which is basic and polar, with cysteine, which is neutral and slightly polar, at codon 375 of the PCCA protein (p.Arg375Cys). This variant is present in population databases (rs758588772, gnomAD 0.003%). This variant has not been reported in the literature in individuals affected with PCCA-related conditions. ClinVar contains an entry for this variant (Variation ID: 1424594). Algorithms developed to predict the effect of missense changes on protein structure and function output the following: SIFT: "Deleterious"; PolyPhen-2: "Benign"; Align-GVGD: "Class C0". The cysteine amino acid residue is found in multiple mammalian species, which suggests that this missense change does not adversely affect protein function. In summary, the available evidence is currently insufficient to determine the role of this variant in disease. Therefore, it has been classified as a Variant of Uncertain Significance.